The following is an entry in ClinVar:

ClinVar aggregate classification (germline): Uncertain significance (1 of 4 stars; one submission).

Allele frequency attached by ClinVar (database versions not stated): TOPMed 0.00001.

Submission:

Labcorp Genetics (formerly Invitae), Labcorp
Classification: Uncertain significance. Last evaluated: 2023-05-29. Review status: criteria provided, single submitter. Criteria: Invitae Variant Classification Sherloc (09022015). Collection method: clinical testing. Allele origin: germline.
Comment: This variant has not been reported in the literature in individuals affected with MACF1-related conditions. An algorithm developed to predict the effect of missense changes on protein structure and function (PolyPhen-2) suggests that this variant is likely to be tolerated. This sequence change replaces glutamic acid, which is acidic and polar, with lysine, which is basic and polar, at codon 1503 of the MACF1 protein (p.Glu1503Lys). This variant is not present in population databases (gnomAD no frequency). In summary, the available evidence is currently insufficient to determine the role of this variant in disease. Therefore, it has been classified as a Variant of Uncertain Significance.

NM_001394062.1(MACF1):c.4492G>A (p.Glu1498Lys)

Gene: MACF1 (microtubule actin crosslinking factor 1; plus strand). Cytogenetic location: 1p34.3.
Variant type: single nucleotide variant.
Coding change: c.4492G>A on transcript NM_001394062.1 (MANE Select); coding-DNA position 4492, G replaced by A.
Protein change: p.Glu1498Lys; replaces glutamic acid 1498 with lysine.
Molecular consequence: missense variant.
Genome position (GRCh38, 1-based): chr1:39,327,231, G>A. VCF-style: chr1-39327231-G-A. GRCh37 (hg19) VCF-style: chr1-39792903-G-A.
Other names: c.4507G>A, p.Glu1503Lys (NM_012090.5); short protein forms E1503K, E1498K.
Identifiers: ClinVar variation 2879374 (VCV002879374.3), dbSNP rs1571340829, ClinGen allele CA339743510.
Genomic context (GRCh38, chr1:39,327,231, plus strand): 5'-GATTGTTTTTTTTTCTCCTAAAAAAGCTTTAATGCTTCATCTTCCAGGCTCTCAGAAAAA[G>A]AGAAGAAACAAATATCTGAGCAATTGAATGCCCTAAACAAGGCTTACCATGACCTTTGTG-3'
Protein context (NP_001380991.1, residues 1488-1508): AKHGHKLSEK[Glu1498Lys]KKQISEQLNA